The following is an entry in ClinVar:

ClinVar aggregate classification (germline): Benign. Review status: criteria provided, multiple submitters, no conflicts (2 of 4 stars). 3 submissions from 3 submitters: Benign (2). 1 of the submissions does not count toward it. Last evaluated 2019-12-31.

Conditions:
SRGAP3-related disorder. Also called: SRGAP3-related condition.

Allele frequency attached by ClinVar (database versions not stated): 1000 Genomes Project 30x 0.00234; 1000 Genomes Project 0.00240; gnomAD 0.00536 and 0.00541; TOPMed 0.00539; gnomAD exomes 0.00586 and 0.00784; ExAC 0.00616; ESP Exome Variant Server 0.00638.
gnomAD v4.1: 12,242 of 1,614,204 alleles (0.76%); highest among the groups gnomAD compares: Non-Finnish European, 0.87%; 70 homozygotes.

Submissions (3):

Labcorp Genetics (formerly Invitae), Labcorp
Classification: Benign. Last evaluated: 2019-12-31. Review status: criteria provided, single submitter. Criteria: Invitae Variant Classification Sherloc (09022015). Collection method: clinical testing. Allele origin: germline.

Breakthrough Genomics
Classification: Benign. Review status: criteria provided, single submitter. Criteria: ACMG Guidelines, 2015. Collection method: not provided. Allele origin: germline. Inheritance: Unknown mechanism. Affected: yes.

PreventionGenetics, part of Exact Sciences
Classification: Benign for SRGAP3-related condition. Last evaluated: 2019-02-20. Review status: no assertion criteria provided. Collection method: clinical testing. Allele origin: germline. Not counted in ClinVar's aggregate classification.
Comment: This variant is classified as benign based on ACMG/AMP sequence variant interpretation guidelines (Richards et al. 2015 PMID: 25741868, with internal and published modifications).

NM_014850.4(SRGAP3):c.2535C>T (p.Tyr845=)

Gene: SRGAP3 (SLIT-ROBO Rho GTPase activating protein 3; minus strand). Cytogenetic location: 3p25.3.
Variant type: single nucleotide variant.
Coding change: c.2535C>T on transcript NM_014850.4 (MANE Select); coding-DNA position 2535, C replaced by T.
Protein change: p.Tyr845=; no amino-acid change (tyrosine 845 retained).
Molecular consequence: synonymous variant.
Genome position (GRCh38, 1-based): chr3:8,992,929, G>A on the plus strand (C>T on the coding strand, the complement: SRGAP3 is on the minus strand). VCF-style: chr3-8992929-G-A. GRCh37 (hg19) VCF-style: chr3-9034613-G-A.
Other names: c.2463C>T, p.Tyr821= (NM_001033117.3).
Identifiers: ClinVar variation 790643 (VCV000790643.7), dbSNP rs146843771, ClinGen allele CA2237451.
Genomic context (GRCh38, chr3:8,992,929, plus strand): 5'-GACACCAGCAGGGAAAAAATGAATCCGCATATCCTACCGGCCCATCACCCCCCCAAAGCC[G>A]TAATCCGAGATGTGCTCCGTGGGGGACTGGAGGTCGTTTTTGGAAGAGGCCTTGTCATCC-3'
Protein context (NP_055665.1, residues 835-855): LQSPTEHISD[Tyr845=]GFGGVMGRVR